The following is an entry in ClinVar:

ClinVar aggregate classification (germline): Benign. Review status: criteria provided, multiple submitters, no conflicts (2 of 4 stars). 10 submissions from 10 submitters: Benign (7). 3 of the submissions do not count toward it. Last evaluated 2026-04-27.

Conditions:
Microcephaly 1, primary, autosomal recessive (MCPH1). Also called: PREMATURE CHROMOSOME CONDENSATION SYNDROME; PCC SYNDROME; PREMATURE CHROMOSOME CONDENSATION WITH MICROCEPHALY AND MENTAL RETARDATION. Identifiers: Orphanet 2512, MedGen C1855081, MONDO:0009617, OMIM 251200.

Allele frequency attached by ClinVar (database versions not stated): gnomAD 0.45478; 1000 Genomes Project 30x 0.48360; 1000 Genomes Project 0.49042; ESP Exome Variant Server 0.42181; gnomAD exomes 0.43341 and 0.44656; TOPMed 0.44081; ExAC 0.44923.
gnomAD v4.1: 696,930 of 1,605,044 alleles (43%); highest among the groups gnomAD compares: East Asian, 68%; 154,511 homozygotes.

Submissions (10):

Women's Health and Genetics/Laboratory Corporation of America, LabCorp
Classification: Benign. Last evaluated: 2026-04-27. Review status: criteria provided, single submitter. Criteria: LabCorp Variant Classification Summary - May 2015. Collection method: clinical testing. Allele origin: germline.

Labcorp Genetics (formerly Invitae), Labcorp
Classification: Benign. Last evaluated: 2026-02-04. Review status: criteria provided, single submitter. Criteria: Invitae Variant Classification Sherloc (09022015). Collection method: clinical testing. Allele origin: germline.

Genome-Nilou Lab
Classification: Benign for Microcephaly 1, primary, autosomal recessive. Last evaluated: 2021-09-05. Review status: criteria provided, single submitter. Criteria: ACMG Guidelines, 2015. Collection method: clinical testing. Allele origin: germline. Affected: no.

Clinical Genetics DNA and cytogenetics Diagnostics Lab, Erasmus MC, Erasmus Medical Center
Classification: Benign for Microcephaly 1, primary, autosomal recessive. Last evaluated: 2015-09-21. Review status: criteria provided, single submitter. Criteria: ACGS Guidelines, 2013. Collection method: clinical testing. Allele origin: germline. Affected: yes. Study: VKGL Data-share Consensus.

GeneDx
Classification: Benign. Last evaluated: 2015-03-03. Review status: criteria provided, single submitter. Criteria: GeneDx Variant Classification Process June 2021. Collection method: clinical testing. Allele origin: germline. Affected: yes.

Eurofins Ntd Llc (ga)
Classification: Benign. Last evaluated: 2014-04-10. Review status: criteria provided, single submitter. Criteria: EGL Classification Definitions 2015. Collection method: clinical testing. Allele origin: germline. Observed: 3 variant alleles, 2 heterozygotes, 1 homozygote.

Breakthrough Genomics
Classification: Benign. Review status: criteria provided, single submitter. Criteria: ACMG Guidelines, 2015. Collection method: not provided. Allele origin: germline. Inheritance: Autosomal recessive inheritance. Affected: yes.

Diagnostic Laboratory, Department of Genetics, University Medical Center Groningen
Classification: Benign for Microcephaly 1, primary, autosomal recessive. Review status: no assertion criteria provided. Collection method: clinical testing. Allele origin: germline. Affected: yes. Study: VKGL Data-share Consensus. Not counted in ClinVar's aggregate classification.

Genetic Services Laboratory, University of Chicago
Classification: Likely benign. Review status: no assertion criteria provided. Collection method: clinical testing. Allele origin: germline. Inheritance: Autosomal recessive inheritance. Not counted in ClinVar's aggregate classification.
Comment: Likely benign based on allele frequency in 1000 Genomes Project or ESP global frequency and its presence in a patient with a rare or unrelated disease phenotype. NOT Sanger confirmed

Joint Genome Diagnostic Labs from Nijmegen and Maastricht, Radboudumc and MUMC+
Classification: Benign. Review status: no assertion criteria provided. Collection method: clinical testing. Allele origin: germline. Affected: yes. Study: VKGL Data-share Consensus. Not counted in ClinVar's aggregate classification.

NM_024596.5(MCPH1):c.2215-19A>G

Genes: MCPH1 (microcephalin 1; plus strand), MCPH1-AS1 (MCPH1 antisense RNA 1; minus strand). Cytogenetic location: 8p23.1.
Variant type: single nucleotide variant.
Coding change: c.2215-19A>G on transcript NM_024596.5 (MANE Select); 19 bases into the intron before coding-DNA position 2215, A replaced by G.
Molecular consequence: intron variant. On other transcripts: non-coding transcript variant (1).
Genome position (GRCh38, 1-based): chr8:6,621,435, A>G. VCF-style: chr8-6621435-A-G. GRCh37 (hg19) VCF-style: chr8-6478956-A-G.
Other names: c.2215-19A>G (NM_001322042.2, NM_001363979.1); c.1936-19A>G (NM_001363980.2).
Identifiers: ClinVar variation 158843 (VCV000158843.28), dbSNP rs2936531, ClinGen allele CA172514.
Genomic context (GRCh38, chr8:6,621,435, plus strand): 5'-GTAAACTGCAACAGTTCGCCTACGCTATGGAGACTGGAGTGGTCCCACCTCTGTAATTCT[A>G]TCTCTGTCTGCCCCACAGCTGTGCCGAAGCGAGTGCCACTTGTCTGCAGGGCCGTACCGC-3'